The following is an entry in ClinVar:

NM_001378778.1(MPDZ):c.93C>G (p.Asp31Glu)

Gene: MPDZ (multiple PDZ domain crumbs cell polarity complex component; minus strand). Cytogenetic location: 9p23.
Variant type: single nucleotide variant.
Coding change: c.93C>G on transcript NM_001378778.1 (MANE Select); coding-DNA position 93, C replaced by G.
Protein change: p.Asp31Glu; replaces aspartic acid 31 with glutamic acid.
Molecular consequence: missense variant.
Genome position (GRCh38, 1-based): chr9:13,247,725, G>C on the plus strand (C>G on the coding strand, the complement: MPDZ is on the minus strand). VCF-style: chr9-13247725-G-C. GRCh37 (hg19) VCF-style: chr9-13247724-G-C.
Other names: c.93C>G (NM_003829.3); c.93C>G, p.Asp31Glu (NM_001261406.2, NM_001261407.2, NM_001330637.2 and 14 more transcripts); short protein forms D31E.
Identifiers: ClinVar variation 736778 (VCV000736778.16), dbSNP rs148433683, ClinGen allele CA4988246.

ClinVar aggregate classification (germline): Conflicting classifications of pathogenicity. Review status: criteria provided, conflicting classifications (1 of 4 stars). 4 submissions from 4 submitters: Uncertain significance (1); Likely benign (3). Last evaluated 2026-01-20.

Conditions:
Hydrocephalus, nonsyndromic, autosomal recessive 2. Also called: Hydrocephalus, congenital, 2, with or without brain or eye anomalies. Identifiers: Orphanet 2185, MedGen C3554691, MONDO:0014085, OMIM 615219.
Inborn genetic diseases. Identifiers: MedGen C0950123, MeSH D030342.

Allele frequency attached by ClinVar (database versions not stated): gnomAD exomes 0.00008 and 0.00020; ExAC 0.00029; ESP Exome Variant Server 0.00065; gnomAD 0.00083 and 0.00085; TOPMed 0.00090; 1000 Genomes Project 30x 0.00094; 1000 Genomes Project 0.00100.
gnomAD v4.1: 250 of 1,613,616 alleles (0.015%); highest among the groups gnomAD compares: African/African-American, 0.3%; no homozygotes.

Submissions (4):

Labcorp Genetics (formerly Invitae), Labcorp
Classification: Likely benign. Last evaluated: 2026-01-20. Review status: criteria provided, single submitter. Criteria: Invitae Variant Classification Sherloc (09022015). Collection method: clinical testing. Allele origin: germline.

Women's Health and Genetics/Laboratory Corporation of America, LabCorp
Classification: Likely benign. Last evaluated: 2025-10-23. Review status: criteria provided, single submitter. Criteria: LabCorp Variant Classification Summary - May 2015. Collection method: clinical testing. Allele origin: germline.
Comment: Variant summary: MPDZ c.93C>G (p.Asp31Glu) results in a conservative amino acid change located in the L27 domain (IPR001478) of the encoded protein sequence. Algorithms developed to predict the effect of missense changes on protein structure and function all suggest that this variant is likely to be tolerated. The variant allele was found at a frequency of 0.0002 in 248890 control chromosomes, predominantly at a frequency of 0.003 within the African or African-American subpopulation in the gnomAD database. The observed variant frequency within African or African-American control individuals in the gnomAD database exceeds the estimated maximal expected allele frequency for disease-causing variants in MPDZ. To our knowledge, no occurrence of c.93C>G in individuals affected with MPDZ-related conditions and no experimental evidence demonstrating its impact on protein function have been reported. ClinVar contains an entry for this variant (Variation ID: 736778). Based on the evidence outlined above, the variant was classified as likely benign.

Ambry Genetics
Classification: Likely benign for Inborn genetic diseases. Last evaluated: 2023-03-01. Review status: criteria provided, single submitter. Criteria: Ambry Variant Classification Scheme 2023. Collection method: clinical testing. Allele origin: germline.

Baylor Genetics
Classification: Uncertain significance for Hydrocephalus, nonsyndromic, autosomal recessive 2. Last evaluated: 2019-11-20. Review status: criteria provided, single submitter. Criteria: ACMG Guidelines, 2015. Collection method: clinical testing. Allele origin: unknown. Affected: yes.
Comment: This variant was determined to be of uncertain significance according to ACMG Guidelines, 2015 [PMID:25741868].